The following is an entry in ClinVar:

ClinVar aggregate classification (germline): Uncertain significance (1 of 4 stars; one submission).

Conditions:
Cardiovascular phenotype. Identifiers: MedGen CN230736.

Allele frequency attached by ClinVar (database versions not stated): gnomAD 0.00001.
gnomAD v4.1: 1 of 1,550,038 alleles (0.000065%); highest among the groups gnomAD compares: African/African-American, 0.0014%; no homozygotes.

Submission:

Ambry Genetics
Classification: Uncertain significance for Cardiovascular phenotype. Last evaluated: 2023-01-15. Review status: criteria provided, single submitter. Criteria: Ambry Variant Classification Scheme 2023. Collection method: clinical testing. Allele origin: germline.
Comment: The p.S2029R variant (also known as c.6087C>A), located in coding exon 2 of the ZNF469 gene, results from a C to A substitution at nucleotide position 6087. The serine at codon 2029 is replaced by arginine, an amino acid with dissimilar properties. This amino acid position is conserved. In addition, this alteration is predicted to be tolerated by in silico analysis. Since supporting evidence is limited at this time, the clinical significance of this alteration remains unclear.

NM_001367624.2(ZNF469):c.6171C>A (p.Ser2057Arg)

Gene: ZNF469 (zinc finger protein 469; plus strand). Cytogenetic location: 16q24.2.
Variant type: single nucleotide variant.
Coding change: c.6171C>A on transcript NM_001367624.2 (MANE Select); coding-DNA position 6171, C replaced by A.
Protein change: p.Ser2057Arg; replaces serine 2057 with arginine.
Molecular consequence: missense variant.
Genome position (GRCh38, 1-based): chr16:88,433,641, C>A. VCF-style: chr16-88433641-C-A. GRCh37 (hg19) VCF-style: chr16-88500049-C-A.
Other names: NM_001127464.1:c.6087C>A; short protein forms S2057R.
Identifiers: ClinVar variation 2449481 (VCV002449481.2), dbSNP rs1597211050, ClinGen allele CA397104425.